The following is an entry in ClinVar:

ClinVar aggregate classification (germline): Conflicting classifications of pathogenicity. Review status: criteria provided, conflicting classifications (1 of 4 stars). 2 submissions from 2 submitters: Likely pathogenic (1); Uncertain significance (1). Last evaluated 2023-08-11.

Submissions (2):

GeneDx
Classification: Likely pathogenic. Last evaluated: 2023-08-11. Review status: criteria provided, single submitter. Criteria: GeneDx Variant Classification Process June 2021. Collection method: clinical testing. Allele origin: germline. Affected: yes.
Comment: Not observed at significant frequency in large population cohorts (gnomAD); In silico analysis supports that this missense variant has a deleterious effect on protein structure/function; Has not been previously published as pathogenic or benign to our knowledge; This variant is associated with the following publications: (PMID: 27532257, 29300372)

Stanford Center for Inherited Cardiovascular Disease, Stanford University
Classification: Uncertain significance. Last evaluated: 2012-10-02. Review status: criteria provided, single submitter. Criteria: ACMG Guidelines, 2015. Collection method: provider interpretation. Allele origin: germline.

NM_000257.4(MYH7):c.773T>C (p.Leu258Ser)

Gene: MYH7 (myosin heavy chain 7; minus strand). Cytogenetic location: 14q11.2.
Variant type: single nucleotide variant.
Coding change: c.773T>C on transcript NM_000257.4 (MANE Select); coding-DNA position 773, T replaced by C.
Protein change: p.Leu258Ser; replaces leucine 258 with serine.
Molecular consequence: missense variant.
Genome position (GRCh38, 1-based): chr14:23,431,441, A>G on the plus strand (T>C on the coding strand, the complement: MYH7 is on the minus strand). VCF-style: chr14-23431441-A-G. GRCh37 (hg19) VCF-style: chr14-23900650-A-G.
Other names: c.773T>C (LRG_384t1); short protein forms L258S.
Identifiers: ClinVar variation 235037 (VCV000235037.5), dbSNP rs876661377, ClinGen allele CA10581180.
Genomic context (GRCh38, chr14:23,431,441, plus strand): 5'-GAGCTTAGGCTGAGCCTAGCAGATTCATGGCACTCACAGGTCTCTATGTCTGCAGATGCC[A>G]ACTTTCCTGTTGCCCCAAAATGAATTCGAATGAATTTCCCCTGGAGAGATGGAAGAGAGT-3'
Protein context (NP_000248.2, residues 248-268): IRIHFGATGK[Leu258Ser]ASADIETYLL